The following is an entry in ClinVar:

ClinVar aggregate classification (germline): Uncertain significance. Review status: criteria provided, multiple submitters, no conflicts (2 of 4 stars). 3 submissions from 3 submitters: Uncertain significance (3). Last evaluated 2025-01-06.

Conditions:
Cardiomyopathy (CMYO). Also called: Cardiomyopathies. Identifiers: Orphanet 167848, MedGen C0878544, MONDO:0004994, HP:0001638. Inheritance: Various modes of inheritance.
Arrhythmogenic right ventricular cardiomyopathy (ARVD). Also called: Arrhythmogenic cardiomyopathy; Arrhythmogenic Right Ventricular Cardiomyopathy (ARVC); Cardiomyopathy, ARVC; Arrhythmogenic right ventricular dysplasia. Identifiers: Orphanet 247, MedGen C0349788, MeSH D019571, MONDO:0016587. Disease mechanism: loss of function. Inheritance: Various modes of inheritance.
Arrhythmogenic right ventricular dysplasia 10. Also called: Arrhythmogenic right ventricular dysplasia/cardiomyopathy, type 10; Arrhythmogenic Right Ventricular Dysplasia/Cardiomyopathy10; ARRHYTHMOGENIC RIGHT VENTRICULAR DYSPLASIA, FAMILIAL, 10. Identifiers: MedGen C1857777, MONDO:0012434, OMIM 610193.

Allele frequency attached by ClinVar (database versions not stated): gnomAD exomes below 0.00001.

Submissions (3):

Labcorp Genetics (formerly Invitae), Labcorp
Classification: Uncertain significance for Arrhythmogenic right ventricular dysplasia 10. Last evaluated: 2025-01-06. Review status: criteria provided, single submitter. Criteria: Invitae Variant Classification Sherloc (09022015). Collection method: clinical testing. Allele origin: germline.
Comment: This sequence change replaces valine, which is neutral and non-polar, with glutamic acid, which is acidic and polar, at codon 669 of the DSG2 protein (p.Val669Glu). This variant is not present in population databases (gnomAD no frequency). This variant has not been reported in the literature in individuals affected with DSG2-related conditions. ClinVar contains an entry for this variant (Variation ID: 576360). Invitae Evidence Modeling of protein sequence and biophysical properties (such as structural, functional, and spatial information, amino acid conservation, physicochemical variation, residue mobility, and thermodynamic stability) indicates that this missense variant is not expected to disrupt DSG2 protein function with a negative predictive value of 95%. In summary, the available evidence is currently insufficient to determine the role of this variant in disease. Therefore, it has been classified as a Variant of Uncertain Significance.

All of Us Research Program, National Institutes of Health
Classification: Uncertain significance for Arrhythmogenic right ventricular cardiomyopathy. Last evaluated: 2024-05-14. Review status: criteria provided, single submitter. Criteria: ACMG Guidelines, 2015. Collection method: clinical testing. Allele origin: germline. Inheritance: Autosomal dominant inheritance. Observed: 1 variant allele, 1 heterozygote.
Comment: This missense variant replaces valine with glutamic acid at codon 669 of the DSG2 protein. Computational prediction tools and conservation analyses are inconclusive regarding the impact of this variant on the protein function. Computational splicing tools suggest that this variant may not impact RNA splicing. To our knowledge, functional assays have not been performed for this variant nor has this variant been reported in individuals affected with cardiovascular disorders in the literature. This variant has not been identified in the general population by the Genome Aggregation Database (gnomAD). Available evidence is insufficient to determine the role of this variant in disease conclusively. Therefore, this variant is classified as a Variant of Uncertain Significance.

This study involves interpretation of variants in research participants for the purpose of population health screening. Participant phenotype was not available at the time of variant classification. Additional details can be found in publication PMID: 35346344, PMCID: PMC8962531

Color Diagnostics, LLC DBA Color Health
Classification: Uncertain significance for Cardiomyopathy. Last evaluated: 2023-12-05. Review status: criteria provided, single submitter. Criteria: ACMG Guidelines, 2015. Collection method: clinical testing. Allele origin: germline.
Comment: This missense variant replaces valine with glutamic acid at codon 669 of the DSG2 protein. Computational prediction tools and conservation analyses are inconclusive regarding the impact of this variant on the protein function. Computational splicing tools suggest that this variant may not impact RNA splicing. To our knowledge, functional assays have not been performed for this variant nor has this variant been reported in individuals affected with cardiovascular disorders in the literature. This variant has not been identified in the general population by the Genome Aggregation Database (gnomAD). Available evidence is insufficient to determine the role of this variant in disease conclusively. Therefore, this variant is classified as a Variant of Uncertain Significance.

NM_001943.5(DSG2):c.2006T>A (p.Val669Glu)

Genes: DSG2 (desmoglein 2; plus strand), DSG2-AS1 (DSG2 antisense RNA 1; minus strand). Cytogenetic location: 18q12.1.
Variant type: single nucleotide variant.
Coding change: c.2006T>A on transcript NM_001943.5 (MANE Select); coding-DNA position 2006, T replaced by A.
Protein change: p.Val669Glu; replaces valine 669 with glutamic acid.
Molecular consequence: missense variant.
Genome position (GRCh38, 1-based): chr18:31,542,524, T>A. VCF-style: chr18-31542524-T-A. GRCh37 (hg19) VCF-style: chr18-29122487-T-A.
Other names: c.2006T>A (LRG_397t1); short protein forms V669E.
Identifiers: ClinVar variation 576360 (VCV000576360.15), dbSNP rs1036247495, ClinGen allele CA297700080.